The following is an entry in ClinVar:

NM_001371596.2(MFSD8):c.154+1G>A

Gene: MFSD8 (major facilitator superfamily domain containing 8; minus strand). Cytogenetic location: 4q28.2.
Variant type: single nucleotide variant.
Coding change: c.154+1G>A on transcript NM_001371596.2 (MANE Select); the canonical splice donor site of the intron after coding-DNA position 154, G replaced by A.
Molecular consequence: splice donor variant.
Genome position (GRCh38, 1-based): chr4:127,957,500, C>T on the plus strand (G>A on the coding strand, the complement: MFSD8 is on the minus strand). VCF-style: chr4-127957500-C-T. GRCh37 (hg19) VCF-style: chr4-128878655-C-T.
Other names: c.19+1G>A (NM_001371595.1, NM_001410765.1, NM_001371590.2); c.154+1G>A (NM_152778.4, NM_001363521.3, NM_001410766.1 and 5 more transcripts).
Identifiers: ClinVar variation 2151991 (VCV002151991.5), dbSNP rs1578986310, ClinGen allele CA358164942.

ClinVar aggregate classification (germline): Likely pathogenic. Review status: criteria provided, multiple submitters, no conflicts (2 of 4 stars). 2 submissions from 2 submitters: Likely pathogenic (2). Last evaluated 2023-05-20.

Conditions:
Neuronal ceroid lipofuscinosis 7 (CLN7). Also called: MFSD8-Related Neuronal Ceroid-Lipofuscinosis. Identifiers: Orphanet 168491, Orphanet 228366, MedGen C1838571, MONDO:0012588, OMIM 610951.
Macular dystrophy with central cone involvement (CCMD). Identifiers: MedGen C4015371, MONDO:0014515, OMIM 616170.

gnomAD v4.1: 2 of 1,586,848 alleles (0.00013%); highest among the groups gnomAD compares: Non-Finnish European, 0.00017%; no homozygotes.

Submissions (2):

Neuberg Centre For Genomic Medicine, NCGM
Classification: Likely pathogenic for Macular dystrophy with central cone involvement. Last evaluated: 2023-05-20. Review status: criteria provided, single submitter. Criteria: ACMG Guidelines, 2015. Collection method: clinical testing. Allele origin: germline. Inheritance: Autosomal recessive inheritance. Affected: yes.
Comment: The observed invariant splice donor variant c.154+1G>A in MFSD8 gene has been reported previously in homozygous state in an individual affected with early-onset MFSD8-associated disorder (Kamate et al. 2021). The c.154+1G>A variant is absent in gnomAD exomes database. This variant has been submitted to the ClinVar database as Likely Pathogenic. SpliceAI predicts a donor loss of 0.95 for this variant. Loss of function variants have been previously reported to be disease causing. Additional studies will be required to prove the pathogenicity of this variant. For these reasons, this variant has been classified as Likely Pathogenic.

Labcorp Genetics (formerly Invitae), Labcorp
Classification: Likely pathogenic for Neuronal ceroid lipofuscinosis 7. Last evaluated: 2022-07-11. Review status: criteria provided, single submitter. Criteria: Invitae Variant Classification Sherloc (09022015). Collection method: clinical testing. Allele origin: germline.
Comment: This variant is not present in population databases (gnomAD no frequency). This variant has not been reported in the literature in individuals affected with MFSD8-related conditions. Algorithms developed to predict the effect of sequence changes on RNA splicing suggest that this variant may disrupt the consensus splice site. In summary, the currently available evidence indicates that the variant is pathogenic, but additional data are needed to prove that conclusively. Therefore, this variant has been classified as Likely Pathogenic. This sequence change affects a donor splice site in intron 3 of the MFSD8 gene. It is expected to disrupt RNA splicing. Variants that disrupt the donor or acceptor splice site typically lead to a loss of protein function (PMID: 16199547), and loss-of-function variants in MFSD8 are known to be pathogenic (PMID: 19177532, 25227500, 28586915).

Literature cited by the submitters: PubMed 16199547 (cited by Labcorp Genetics (formerly Invitae), Labcorp); PubMed 19177532 (cited by Labcorp Genetics (formerly Invitae), Labcorp); PubMed 25227500 (cited by Labcorp Genetics (formerly Invitae), Labcorp); PubMed 28586915 (cited by Labcorp Genetics (formerly Invitae), Labcorp).